The following is an entry in ClinVar:

ClinVar aggregate classification (germline): Uncertain significance (1 of 4 stars; one submission).

Conditions:
Inborn genetic diseases. Identifiers: MedGen C0950123, MeSH D030342.

Submission:

Ambry Genetics
Classification: Uncertain significance for Inborn genetic diseases. Last evaluated: 2025-06-08. Review status: criteria provided, single submitter. Criteria: Ambry Variant Classification Scheme 2023. Collection method: clinical testing. Allele origin: germline.
Comment: The p.E139G variant (also known as c.416A>G), located in coding exon 3 of the MBD4 gene, results from an A to G substitution at nucleotide position 416. The glutamic acid at codon 139 is replaced by glycine, an amino acid with similar properties. This amino acid position is conserved. In addition, the in silico prediction for this alteration is inconclusive. Based on the available evidence, the clinical significance of this variant remains unclear.

NM_001276270.2(MBD4):c.416A>G (p.Glu139Gly)

Gene: MBD4 (methyl-CpG binding domain 4, DNA glycosylase; minus strand). Cytogenetic location: 3q21.3.
Variant type: single nucleotide variant.
Coding change: c.416A>G on transcript NM_001276270.2 (MANE Select); coding-DNA position 416, A replaced by G.
Protein change: p.Glu139Gly; replaces glutamic acid 139 with glycine.
Molecular consequence: missense variant. On other transcripts: intron variant (1).
Genome position (GRCh38, 1-based): chr3:129,437,228, T>C on the plus strand (A>G on the coding strand, the complement: MBD4 is on the minus strand). VCF-style: chr3-129437228-T-C. GRCh37 (hg19) VCF-style: chr3-129156071-T-C.
Other names: c.416A>G, p.Glu139Gly (NM_001276271.2, NM_001276272.2, NM_003925.3); c.247+580A>G (NM_001276273.2); short protein forms E139G.
Identifiers: ClinVar variation 4052251 (VCV004052251.1).